The following is an entry in ClinVar:

NM_001122681.2(SH3BP2):c.701_712del (p.Leu234_Pro237del)

Gene: SH3BP2 (SH3 domain binding protein 2; plus strand). Cytogenetic location: 4p16.3.
Variant type: Deletion.
Coding change: c.701_712del on transcript NM_001122681.2 (MANE Select); coding-DNA positions 701 to 712, 12 bases deleted (TACTGCCACCCC).
Protein change: p.Leu234_Pro237del.
Molecular consequence: inframe deletion.
Genome position (GRCh38, 1-based): chr4:2,829,607-2,829,618, TACTGCCACCCC deleted; deleting any 12 consecutive bases within chr4:2,829,603-2,829,618 gives the same sequence; the c. name uses the placement nearest the transcript's 3' end. VCF-style (leftmost placement, unchanged base first): chr4-2829602-TCCCCTACTGCCA-T. GRCh37 (hg19) VCF-style: chr4-2831329-TCCCCTACTGCCA-T.
Other names: c.785_796del, p.Leu262_Pro265del (NM_001145855.2); c.872_883del, p.Leu291_Pro294del (NM_001145856.2); c.701_712del, p.Leu234_Pro237del (NM_003023.4).
Identifiers: ClinVar variation 2977978 (VCV002977978.3), dbSNP rs780059018, ClinGen allele CA2819299.
Genomic context (GRCh38, chr4:2,829,602, plus strand): 5'-CAGGAAGCCAGCCTTCTCTGACATGCCCCGGGCCCACTCCTTTACCTCCAAGGGCCCCGG[TCCCCTACTGCCA>T]CCCCCGCCCCCTAAGCACGGCCTCCCAGATGTTGGCCTGGCTGCTGAGGACTCCAAGAGG-3'

ClinVar aggregate classification (germline): Uncertain significance (1 of 4 stars; one submission).

Conditions:
Fibrous dysplasia of jaw (CRBM). Also called: Cherubism. Identifiers: Orphanet 184, MedGen C0008029, MONDO:0007315, OMIM 118400.

Submission:

Labcorp Genetics (formerly Invitae), Labcorp
Classification: Uncertain significance for Fibrous dysplasia of jaw. Last evaluated: 2023-02-13. Review status: criteria provided, single submitter. Criteria: Invitae Variant Classification Sherloc (09022015). Collection method: clinical testing. Allele origin: germline.
Comment: In summary, the available evidence is currently insufficient to determine the role of this variant in disease. Therefore, it has been classified as a Variant of Uncertain Significance. Experimental studies and prediction algorithms are not available or were not evaluated, and the functional significance of this variant is currently unknown. This variant has not been reported in the literature in individuals affected with SH3BP2-related conditions. This variant is present in population databases (rs780059018, gnomAD 0.0009%). This variant, c.701_712del, results in the deletion of 4 amino acid(s) of the SH3BP2 protein (p.Leu234_Pro237del), but otherwise preserves the integrity of the reading frame.